The following is an entry in ClinVar:

ClinVar aggregate classification (germline): Uncertain significance (1 of 4 stars; one submission).

Conditions:
Breast-ovarian cancer, familial, susceptibility to, 4. Identifiers: Orphanet 145, MedGen C3280345, MONDO:0013669, OMIM 614291.

Submission:

Labcorp Genetics (formerly Invitae), Labcorp
Classification: Uncertain significance for Breast-ovarian cancer, familial, susceptibility to, 4. Last evaluated: 2022-08-16. Review status: criteria provided, single submitter. Criteria: Invitae Variant Classification Sherloc (09022015). Collection method: clinical testing. Allele origin: germline.
Comment: This sequence change replaces threonine, which is neutral and polar, with proline, which is neutral and non-polar, at codon 79 of the RAD51D protein (p.Thr79Pro). This variant is not present in population databases (gnomAD no frequency). This variant has not been reported in the literature in individuals affected with RAD51D-related conditions. ClinVar contains an entry for this variant (Variation ID: 1055612). Algorithms developed to predict the effect of missense changes on protein structure and function are either unavailable or do not agree on the potential impact of this missense change (SIFT: "Tolerated"; PolyPhen-2: "Possibly Damaging"; Align-GVGD: "Class C0"). In summary, the available evidence is currently insufficient to determine the role of this variant in disease. Therefore, it has been classified as a Variant of Uncertain Significance.

NM_002878.4(RAD51D):c.235A>C (p.Thr79Pro)

Genes: RAD51D (RAD51 paralog D; minus strand), RAD51L3-RFFL (RAD51L3-RFFL readthrough; minus strand). Cytogenetic location: 17q12.
Variant type: single nucleotide variant.
Coding change: c.235A>C on transcript NM_002878.4 (MANE Select); coding-DNA position 235, A replaced by C.
Protein change: p.Thr79Pro; replaces threonine 79 with proline.
Molecular consequence: missense variant. On other transcripts: intron variant (2).
Genome position (GRCh38, 1-based): chr17:35,118,529, T>G on the plus strand (A>C on the coding strand, the complement: RAD51D is on the minus strand). VCF-style: chr17-35118529-T-G. GRCh37 (hg19) VCF-style: chr17-33445548-T-G.
Other names: c.144+582A>C (NM_133629.3, NM_001142571.2); short protein forms T79P.
Identifiers: ClinVar variation 1055612 (VCV001055612.10), dbSNP rs1597876667, ClinGen allele CA399091228.